The following is an entry in ClinVar:

NM_004415.4(DSP):c.2298-8C>T

Gene: DSP (desmoplakin; plus strand). Cytogenetic location: 6p24.3.
Variant type: single nucleotide variant.
Coding change: c.2298-8C>T on transcript NM_004415.4 (MANE Select); 8 bases into the intron before coding-DNA position 2298, C replaced by T.
Molecular consequence: intron variant.
Genome position (GRCh38, 1-based): chr6:7,574,649, C>T. VCF-style: chr6-7574649-C-T. GRCh37 (hg19) VCF-style: chr6-7574882-C-T.
Other names: c.2298-8C>T (NM_001319034.2, NM_001008844.3).
Identifiers: ClinVar variation 1138150 (VCV001138150.10), dbSNP rs2113683961, ClinGen allele CA645551216.

ClinVar aggregate classification (germline): Likely benign. Review status: criteria provided, multiple submitters, no conflicts (2 of 4 stars). 2 submissions from 2 submitters: Likely benign (2). Last evaluated 2022-11-30.

Conditions:
Arrhythmogenic right ventricular dysplasia 8 (ARVD8). Also called: Arrhythmogenic Right Ventricular Dysplasia/Cardiomyopathy 8; ARRHYTHMOGENIC RIGHT VENTRICULAR DYSPLASIA, FAMILIAL, 8; ARRHYTHMOGENIC RIGHT VENTRICULAR CARDIOMYOPATHY 8. Identifiers: MedGen C1843896, MONDO:0011831, OMIM 607450.
Arrhythmogenic cardiomyopathy with wooly hair and keratoderma. Also called: Dilated cardiomyopathy with woolly hair and keratoderma; Carvajal syndrome; Arrhythmogenic cardiomyopathy with woolly hair and keratoderma; PALMOPLANTAR KERATODERMA WITH LEFT VENTRICULAR CARDIOMYOPATHY AND WOOLLY HAIR. Identifiers: Orphanet 65282, MedGen C1854063, MONDO:0011581, OMIM 605676.

Submissions (2):

All of Us Research Program, National Institutes of Health
Classification: Likely benign for Arrhythmogenic cardiomyopathy with wooly hair and keratoderma. Last evaluated: 2022-11-30. Review status: criteria provided, single submitter. Criteria: ACMG Guidelines, 2015. Collection method: clinical testing. Allele origin: germline. Inheritance: Autosomal dominant inheritance. Observed: 1 variant allele, 1 heterozygote.
Comment: This study involves interpretation of variants in research participants for the purpose of population health screening. Participant phenotype was not available at the time of variant classification. Additional details can be found in publication PMID: 35346344, PMCID: PMC8962531

Labcorp Genetics (formerly Invitae), Labcorp
Classification: Likely benign for Arrhythmogenic cardiomyopathy with wooly hair and keratoderma; Arrhythmogenic right ventricular dysplasia 8. Last evaluated: 2022-09-01. Review status: criteria provided, single submitter. Criteria: Invitae Variant Classification Sherloc (09022015). Collection method: clinical testing. Allele origin: germline.